The following is an entry in ClinVar:

NM_005629.4(SLC6A8):c.407C>G (p.Ala136Gly)

Gene: SLC6A8 (solute carrier family 6 member 8; plus strand). Cytogenetic location: Xq28.
Variant type: single nucleotide variant.
Coding change: c.407C>G on transcript NM_005629.4 (MANE Select); coding-DNA position 407, C replaced by G.
Protein change: p.Ala136Gly; replaces alanine 136 with glycine.
Molecular consequence: missense variant.
Genome position (GRCh38, 1-based): chrX:153,691,316, C>G. VCF-style: chrX-153691316-C-G. GRCh37 (hg19) VCF-style: chrX-152956771-C-G.
Other names: c.407C>G, p.Ala136Gly (NM_001142805.2); c.62C>G, p.Ala21Gly (NM_001142806.1); short protein forms A136G, A21G.
Identifiers: ClinVar variation 2580227 (VCV002580227.1), dbSNP rs2522155728, ClinGen allele CA415078333.

ClinVar aggregate classification (germline): Uncertain significance (1 of 4 stars; one submission).

Conditions:
Creatine transporter deficiency (CCDS1). Also called: CEREBRAL CREATINE DEFICIENCY SYNDROME 1; Creatine Transporter (CRTR) Deficiency; Mental retardation , X-linked with seizures, short stature and midface hypoplasia; Mental retardation , X-linked, with creatine transport deficiency; X-linked creatine transporter deficiency; X-linked creatine deficiency syndrome. Identifiers: Orphanet 52503, MedGen C1845862, MONDO:0010305, OMIM 300352.

Submission:

Illumina Laboratory Services, Illumina
Classification: Uncertain significance for Creatine transporter deficiency. Last evaluated: 2023-04-11. Review status: criteria provided, single submitter. Criteria: ICSLVariantClassificationCriteria RUGD 01 April 2020. Collection method: clinical testing. Allele origin: unknown.
Comment: The SLC6A8 c.407C>G (p.Ala136Gly) missense variant results in the substitution of alanine at amino acid position 136 with glycine. To our knowledge, this variant has not been reported in the peer-reviewed literature. This variant is not found in version 2.1.1 or version 3.1.2 of the Genome Aggregation Database. A different amino acid substitution at the same codon (p.Ala136Val) has been reported in individuals with SLC6A8 deficiency (PMID: 29478817). The Ala136 residue is located in a cytoplasmic domain. Based on the available evidence, the c.407C>G (p.Ala136Gly) variant is classified as a variant of uncertain significance for creatine transporter deficiency.